The following is an entry in ClinVar:

ClinVar aggregate classification (germline): Likely pathogenic (1 of 4 stars; one submission).

Conditions:
Rhizomelic chondrodysplasia punctata type 1 (RCDP1). Also called: PEROXISOME BIOGENESIS DISORDER 9; PEX7-Related Rhizomelic Chondrodysplasia Punctata; CHONDRODYSTROPHIA CALCIFICANS PUNCTATA. Identifiers: Orphanet 177, Orphanet 309789, MedGen C1859133, MONDO:0008972, OMIM 215100. Disease mechanism: loss of function.
Peroxisome biogenesis disorder 9B. Also called: PEX7-Related Refsum Disease; PEROXISOME BIOGENESIS DISORDER, PEX7-RELATED, ATYPICAL; Refsum disease, adult, 2. Identifiers: Orphanet 773, MedGen C2749346, MONDO:0013945, OMIM 614879.

Submission:

Juno Genomics, Hangzhou Juno Genomics, Inc
Classification: Likely pathogenic for Peroxisome biogenesis disorder 9B; Rhizomelic chondrodysplasia punctata type 1. Review status: criteria provided, single submitter. Criteria: ACMG Guidelines, 2015. Collection method: clinical testing. Allele origin: germline.
Comment: Null variant in a gene where loss of function (LOF) is a known mechanism of disease.;Absent from controls (or at extremely low frequency if recessive) in Genome Aggregation Database.

NM_000288.4(PEX7):c.633+1G>T

Gene: PEX7 (peroxisomal biogenesis factor 7; plus strand). Cytogenetic location: 6q23.3.
Variant type: single nucleotide variant.
Coding change: c.633+1G>T on transcript NM_000288.4 (MANE Select); the canonical splice donor site of the intron after coding-DNA position 633, G replaced by T.
Molecular consequence: splice donor variant.
Genome position (GRCh38, 1-based): chr6:136,866,734, G>T. VCF-style: chr6-136866734-G-T. GRCh37 (hg19) VCF-style: chr6-137187872-G-T.
Other names: c.519+1G>T (NM_001410945.1).
Identifiers: ClinVar variation 5006974 (VCV005006974.2).